The following is an entry in ClinVar:

ClinVar aggregate classification (germline): Uncertain significance (1 of 4 stars; one submission).

Submission:

Labcorp Genetics (formerly Invitae), Labcorp
Classification: Uncertain significance. Last evaluated: 2025-04-22. Review status: criteria provided, single submitter. Criteria: Invitae Variant Classification Sherloc (09022015). Collection method: clinical testing. Allele origin: germline.
Comment: This sequence change replaces leucine, which is neutral and non-polar, with proline, which is neutral and non-polar, at codon 481 of the ANXA11 protein (p.Leu481Pro). This variant is not present in population databases (gnomAD no frequency). This variant has not been reported in the literature in individuals affected with ANXA11-related conditions. An algorithm developed to predict the effect of missense changes on protein structure and function (PolyPhen-2) suggests that this variant is likely to be disruptive. In summary, the available evidence is currently insufficient to determine the role of this variant in disease. Therefore, it has been classified as a Variant of Uncertain Significance.

NM_145868.2(ANXA11):c.1442T>C (p.Leu481Pro)

Gene: ANXA11 (annexin A11; minus strand). Cytogenetic location: 10q22.3.
Variant type: single nucleotide variant.
Coding change: c.1442T>C on transcript NM_145868.2 (MANE Select); coding-DNA position 1442, T replaced by C.
Protein change: p.Leu481Pro; replaces leucine 481 with proline.
Molecular consequence: missense variant.
Genome position (GRCh38, 1-based): chr10:80,157,657, A>G on the plus strand (T>C on the coding strand, the complement: ANXA11 is on the minus strand). VCF-style: chr10-80157657-A-G. GRCh37 (hg19) VCF-style: chr10-81917413-A-G.
Other names: c.1442T>C, p.Leu481Pro (NM_001157.3, NM_001278407.2, NM_001278408.2 and 1 more transcripts); c.1343T>C, p.Leu448Pro (NM_001278409.2); short protein forms L481P, L448P.
Identifiers: ClinVar variation 4768035 (VCV004768035.1).